The following is an entry in ClinVar:

NM_145239.3(PRRT2):c.368G>A (p.Gly123Glu)

Genes: MVP-DT (MVP divergent transcript; minus strand), PRRT2 (proline rich transmembrane protein 2; plus strand). Cytogenetic location: 16p11.2.
Variant type: single nucleotide variant.
Coding change: c.368G>A on transcript NM_145239.3 (MANE Select); coding-DNA position 368, G replaced by A.
Protein change: p.Gly123Glu; replaces glycine 123 with glutamic acid.
Molecular consequence: missense variant.
Genome position (GRCh38, 1-based): chr16:29,813,422, G>A. VCF-style: chr16-29813422-G-A. GRCh37 (hg19) VCF-style: chr16-29824743-G-A.
Other names: c.368G>A, p.Gly123Glu (NM_001256442.2, NM_001256443.2); short protein forms G123E.
Identifiers: ClinVar variation 468615 (VCV000468615.12), dbSNP rs758798693, ClinGen allele CA7994518.

ClinVar aggregate classification (germline): Conflicting classifications of pathogenicity. Review status: criteria provided, conflicting classifications (1 of 4 stars). 2 submissions from 2 submitters: Uncertain significance (1); Likely benign (1). Last evaluated 2024-08-29.

Conditions:
Episodic kinesigenic dyskinesia (EKD). Also called: Paroxysmal kinesigenic dyskinesia. Identifiers: Orphanet 98809, MedGen C1868682, MONDO:0044202.

Allele frequency attached by ClinVar (database versions not stated): ExAC 0.00001; gnomAD exomes 0.00001.
gnomAD v4.1: 9 of 1,614,096 alleles (0.00056%); highest among the groups gnomAD compares: Non-Finnish European, 0.00068%; no homozygotes.

Submissions (2):

Blueprint Genetics
Classification: Likely benign. Last evaluated: 2024-08-29. Review status: criteria provided, single submitter. Criteria: ACMG Guidelines, 2015. Collection method: clinical testing. Allele origin: germline.

Labcorp Genetics (formerly Invitae), Labcorp
Classification: Uncertain significance for Episodic kinesigenic dyskinesia. Last evaluated: 2022-07-22. Review status: criteria provided, single submitter. Criteria: Invitae Variant Classification Sherloc (09022015). Collection method: clinical testing. Allele origin: germline.
Comment: In summary, the available evidence is currently insufficient to determine the role of this variant in disease. Therefore, it has been classified as a Variant of Uncertain Significance. Algorithms developed to predict the effect of missense changes on protein structure and function output the following: SIFT: "Tolerated"; PolyPhen-2: "Benign"; Align-GVGD: "Class C0". The glutamic acid amino acid residue is found in multiple mammalian species, which suggests that this missense change does not adversely affect protein function. ClinVar contains an entry for this variant (Variation ID: 468615). This variant has not been reported in the literature in individuals affected with PRRT2-related conditions. This variant is present in population databases (rs758798693, gnomAD 0.002%). This sequence change replaces glycine, which is neutral and non-polar, with glutamic acid, which is acidic and polar, at codon 123 of the PRRT2 protein (p.Gly123Glu).